The following is an entry in ClinVar:

ClinVar aggregate classification (germline): Uncertain significance (1 of 4 stars; one submission).

Submission:

GeneDx
Classification: Uncertain significance. Last evaluated: 2024-06-18. Review status: criteria provided, single submitter. Criteria: GeneDx Variant Classification Process June 2021. Collection method: clinical testing. Allele origin: germline. Affected: yes.
Comment: Not observed at significant frequency in large population cohorts (gnomAD); In silico analysis indicates that this variant does not alter splicing; Has not been previously published as pathogenic or benign to our knowledge

NM_022124.6(CDH23):c.6712+3A>G

Gene: CDH23 (cadherin related 23; plus strand). Cytogenetic location: 10q22.1.
Variant type: single nucleotide variant.
Coding change: c.6712+3A>G on transcript NM_022124.6 (MANE Select); 3 bases into the intron after coding-DNA position 6712, A replaced by G.
Molecular consequence: intron variant.
Genome position (GRCh38, 1-based): chr10:71,793,643, A>G. VCF-style: chr10-71793643-A-G. GRCh37 (hg19) VCF-style: chr10-73553400-A-G.
Identifiers: ClinVar variation 3391591 (VCV003391591.1).